The following is an entry in ClinVar:

ClinVar aggregate classification (germline): Likely benign (1 of 4 stars; one submission).

Conditions:
FXR1-related condition.

Submission:

PreventionGenetics, part of Exact Sciences
Classification: Likely benign for FXR1-related condition. Last evaluated: 2025-01-02. Review status: criteria provided, single submitter. Criteria: ACMG Guidelines, 2015. Collection method: clinical testing. Allele origin: germline.
Comment: This variant is classified as likely benign based on ACMG/AMP sequence variant interpretation guidelines (Richards et al. 2015 PMID: 25741868, with internal and published modifications).

NM_005087.4(FXR1):c.991-7del

Gene: FXR1 (FMR1 autosomal homolog 1; plus strand). Cytogenetic location: 3q26.33.
Variant type: Deletion.
Coding change: c.991-7del on transcript NM_005087.4 (MANE Select); 7 bases into the intron before coding-DNA position 991, one base deleted (T; older notation c.991-7delT).
Molecular consequence: intron variant.
Genome position (GRCh38, 1-based): chr3:180,961,461, T deleted; the last of 14 consecutive T bases (chr3:180,961,448-180,961,461); deleting any one gives the same sequence. VCF-style (leftmost placement, unchanged base first): chr3-180961447-CT-C. GRCh37 (hg19) VCF-style: chr3-180679235-CT-C.
Other names: c.736-7del (NM_001013439.3, NM_001363882.1); c.991-7del (NM_001441509.1, NM_001441513.1, NM_001441510.1 and 3 more transcripts); c.844-7del (NM_001441515.1).
Identifiers: ClinVar variation 4979345 (VCV004979345.1).
Genomic context (GRCh38, chr3:180,961,447, plus strand): 5'-GCCTGTCAGTTTCATGTCACTTTTAGGCTAGAACTTTGTTAAAATATTAAACACTGAATA[CT>C]TTTTTTTTTTTTTAAACAGGGTATGGTTCCATTTGTATTTGTTGGCACTAAAGAAAGCAT-3'